The following is an entry in ClinVar:

ClinVar aggregate classification (germline): Uncertain significance. Review status: criteria provided, multiple submitters, no conflicts (2 of 4 stars). 2 submissions from 2 submitters: Uncertain significance (2). Last evaluated 2021-09-16.

Conditions:
Hereditary cancer-predisposing syndrome. Also called: Neoplastic Syndromes, Hereditary; Tumor predisposition; Hereditary Cancer Syndrome; Hereditary neoplastic syndrome. Identifiers: Orphanet 140162, MedGen C0027672, MeSH D009386, MONDO:0015356.
Familial cancer of breast. Also called: BREAST CANCER, FAMILIAL; Hereditary breast cancer; hereditary breast carcinoma. Identifiers: Orphanet 227535, MedGen C0346153, MONDO:0016419, OMIM 114480. Disease mechanism: loss of function.

gnomAD v4.1: 2 of 1,614,184 alleles (0.00012%); highest among the groups gnomAD compares: African/African-American, 0.0013%; no homozygotes.

Submissions (2):

Labcorp Genetics (formerly Invitae), Labcorp
Classification: Uncertain significance for Familial cancer of breast. Last evaluated: 2021-09-16. Review status: criteria provided, single submitter. Criteria: Invitae Variant Classification Sherloc (09022015). Collection method: clinical testing. Allele origin: germline.
Comment: This sequence change replaces cysteine with arginine at codon 527 of the PALB2 protein (p.Cys527Arg). The cysteine residue is weakly conserved and there is a large physicochemical difference between cysteine and arginine. In summary, the available evidence is currently insufficient to determine the role of this variant in disease. Therefore, it has been classified as a Variant of Uncertain Significance. Algorithms developed to predict the effect of missense changes on protein structure and function output the following: SIFT: "Tolerated"; PolyPhen-2: "Benign"; Align-GVGD: "Class C0". The arginine amino acid residue is found in multiple mammalian species, which suggests that this missense change does not adversely affect protein function. ClinVar contains an entry for this variant (Variation ID: 819592). This variant has not been reported in the literature in individuals affected with PALB2-related conditions. This variant is not present in population databases (ExAC no frequency).

Ambry Genetics
Classification: Uncertain significance for Hereditary cancer-predisposing syndrome. Last evaluated: 2018-09-14. Review status: criteria provided, single submitter. Criteria: Ambry Variant Classification Scheme 2023. Collection method: clinical testing. Allele origin: germline.
Comment: The p.C527R variant (also known as c.1579T>C), located in coding exon 4 of the PALB2 gene, results from a T to C substitution at nucleotide position 1579. The cysteine at codon 527 is replaced by arginine, an amino acid with highly dissimilar properties. This amino acid position is poorly conserved in available vertebrate species. In addition, this alteration is predicted to be tolerated by in silico analysis. Since supporting evidence is limited at this time, the clinical significance of this alteration remains unclear.

NM_024675.4(PALB2):c.1579T>C (p.Cys527Arg)

Gene: PALB2 (partner and localizer of BRCA2; minus strand). Cytogenetic location: 16p12.2.
Variant type: single nucleotide variant.
Coding change: c.1579T>C on transcript NM_024675.4 (MANE Select); coding-DNA position 1579, T replaced by C.
Protein change: p.Cys527Arg; replaces cysteine 527 with arginine.
Molecular consequence: missense variant.
Genome position (GRCh38, 1-based): chr16:23,634,967, A>G on the plus strand (T>C on the coding strand, the complement: PALB2 is on the minus strand). VCF-style: chr16-23634967-A-G. GRCh37 (hg19) VCF-style: chr16-23646288-A-G.
Other names: short protein forms C527R.
Identifiers: ClinVar variation 819592 (VCV000819592.11), dbSNP rs1597095571, ClinGen allele CA395130658.